The following is an entry in ClinVar:

ClinVar aggregate classification (germline): Benign/Likely benign. Review status: criteria provided, multiple submitters, no conflicts (2 of 4 stars). 4 submissions from 4 submitters: Benign (3); Likely benign (1). Last evaluated 2026-02-03.

Allele frequency attached by ClinVar (database versions not stated): 1000 Genomes Project 30x 0.00031; 1000 Genomes Project 0.00040; gnomAD 0.00048 and 0.00049; gnomAD exomes 0.00053 and 0.00067; TOPMed 0.00055; ESP Exome Variant Server 0.00056; ExAC 0.00062.
gnomAD v4.1: 1,061 of 1,614,032 alleles (0.066%); highest among the groups gnomAD compares: Admixed American, 0.088%; 1 homozygote.

Submissions (4):

Labcorp Genetics (formerly Invitae), Labcorp
Classification: Benign. Last evaluated: 2026-02-03. Review status: criteria provided, single submitter. Criteria: Invitae Variant Classification Sherloc (09022015). Collection method: clinical testing. Allele origin: germline.

CeGaT Center for Human Genetics Tuebingen
Classification: Benign. Last evaluated: 2025-12-01. Review status: criteria provided, single submitter. Criteria: CeGaT Center For Human Genetics Tuebingen Variant Classification Criteria Version 2. Collection method: clinical testing. Allele origin: germline. Affected: yes. Observed: 3 variant alleles.
Comment: NEDD4L: BP4, BS1, BS2

Blueprint Genetics
Classification: Likely benign. Last evaluated: 2024-11-01. Review status: criteria provided, single submitter. Criteria: ACMG Guidelines, 2015. Collection method: clinical testing. Allele origin: germline.

GeneDx
Classification: Benign. Last evaluated: 2020-12-01. Review status: criteria provided, single submitter. Criteria: GeneDx Variant Classification Process June 2021. Collection method: clinical testing. Allele origin: germline. Affected: yes.

NM_001144967.3(NEDD4L):c.639C>T (p.Asn213=)

Gene: NEDD4L (NEDD4 like E3 ubiquitin protein ligase; plus strand). Cytogenetic location: 18q21.31.
Variant type: single nucleotide variant.
Coding change: c.639C>T on transcript NM_001144967.3 (MANE Select); coding-DNA position 639, C replaced by T.
Protein change: p.Asn213=; no amino-acid change (asparagine 213 retained).
Molecular consequence: synonymous variant.
Genome position (GRCh38, 1-based): chr18:58,325,121, C>T. VCF-style: chr18-58325121-C-T. GRCh37 (hg19) VCF-style: chr18-55992353-C-T.
Other names: c.276C>T, p.Asn92= (NM_001144964.1, NM_001144965.2, NM_001144966.3 and 2 more transcripts); c.615C>T, p.Asn205= (NM_001144968.2, NM_001144969.2); c.639C>T, p.Asn213= (NM_001243960.2, NM_015277.6).
Identifiers: ClinVar variation 241028 (VCV000241028.38), dbSNP rs202008394, ClinGen allele CA8975409.
Genomic context (GRCh38, chr18:58,325,121, plus strand): 5'-TCCTCTGCCTCCCGGGTGGGAAGAAAAAGTGGACAATTTAGGCCGAACTTACTATGTCAA[C>T]CACAACAACCGGACCACTCAGTGGCACAGACCAAGCCTGATGTGAGTACCGTGTGATGGT-3'
Protein context (NP_001138439.1, residues 203-223): VDNLGRTYYV[Asn213=]HNNRTTQWHR